The following is an entry in ClinVar:

NM_000051.4(ATM):c.4560T>C (p.Ile1520=)

Gene: ATM (ATM serine/threonine kinase; plus strand). Cytogenetic location: 11q22.3.
Variant type: single nucleotide variant.
Coding change: c.4560T>C on transcript NM_000051.4 (MANE Select); coding-DNA position 4560, T replaced by C.
Protein change: p.Ile1520=; no amino-acid change (isoleucine 1520 retained).
Molecular consequence: synonymous variant.
Genome position (GRCh38, 1-based): chr11:108,292,742, T>C. VCF-style: chr11-108292742-T-C. GRCh37 (hg19) VCF-style: chr11-108163469-T-C.
Other names: c.4560T>C, p.Ile1520= (NM_001351834.2).
Identifiers: ClinVar variation 381011 (VCV000381011.4), dbSNP rs1057520925, ClinGen allele CA16606077.
Genomic context (GRCh38, chr11:108,292,742, plus strand): 5'-GGTTTGCCAGACAGCCGTGACTTACTGTAAGGATGCTCTAGAAAACCATCTTCATGTTAT[T>C]GTTGGTACACTTATACCCCTTGTGTATGAGCAGGTGGAGGTTCAGAAACAGGTAATTTTC-3'
Protein context (NP_000042.3, residues 1510-1530): KDALENHLHV[Ile1520=]VGTLIPLVYE

ClinVar aggregate classification (germline): Likely benign. Review status: criteria provided, multiple submitters, no conflicts (2 of 4 stars). 2 submissions from 2 submitters: Likely benign (2). Last evaluated 2024-10-14.

Conditions:
Ataxia-telangiectasia syndrome (AT). Also called: LOUIS-BAR SYNDROME; ATAXIA-TELANGIECTASIA, COMPLEMENTATION GROUP A; ATAXIA-TELANGIECTASIA, FRESNO VARIANT; Ataxia-telangiectasia; Ataxia telangiectasia (A-T); Cerebello-oculocutaneous telangiectasia. Identifiers: Orphanet 100, MedGen C0004135, MONDO:0008840, OMIM 208900.

Submissions (2):

Labcorp Genetics (formerly Invitae), Labcorp
Classification: Likely benign for Ataxia-telangiectasia syndrome. Last evaluated: 2024-10-14. Review status: criteria provided, single submitter. Criteria: Invitae Variant Classification Sherloc (09022015). Collection method: clinical testing. Allele origin: germline.

GeneDx
Classification: Likely benign. Last evaluated: 2015-10-06. Review status: criteria provided, single submitter. Criteria: GeneDx Variant Classification (06012015). Collection method: clinical testing. Allele origin: germline. Affected: yes.
Comment: This variant is considered likely benign or benign based on one or more of the following criteria: it is a conservative change, it occurs at a poorly conserved position in the protein, it is predicted to be benign by multiple in silico algorithms, and/or has population frequency not consistent with disease.